The following is an entry in ClinVar:

NM_000433.4(NCF2):c.-4A>T

Gene: NCF2 (neutrophil cytosolic factor 2; minus strand). Cytogenetic location: 1q25.3.
Variant type: single nucleotide variant.
Coding change: c.-4A>T on transcript NM_000433.4 (MANE Select); 4 bases upstream of the start codon, A replaced by T.
Molecular consequence: 5 prime UTR variant.
Genome position (GRCh38, 1-based): chr1:183,590,333, T>A on the plus strand (A>T on the coding strand, the complement: NCF2 is on the minus strand). VCF-style: chr1-183590333-T-A. GRCh37 (hg19) VCF-style: chr1-183559468-T-A.
Other names: c.-4A>T (NM_001127651.3, NM_001190789.2, NM_001190794.2 and 1 more transcripts).
Identifiers: ClinVar variation 3045140 (VCV003045140.3), dbSNP rs35681596, ClinGen allele CA1285077.

ClinVar aggregate classification (germline): Likely benign. Review status: criteria provided, single submitter (1 of 4 stars). 2 submissions from 2 submitters: Likely benign (1). 1 of the submissions does not count toward it. Last evaluated 2024-06-05.

Conditions:
NCF2-related disorder. Also called: NCF2-related condition.

Allele frequency attached by ClinVar (database versions not stated): gnomAD exomes 0.00006; ExAC 0.00020; TOPMed 0.00059; 1000 Genomes Project 0.00060; 1000 Genomes Project 30x 0.00062; ESP Exome Variant Server 0.00062; gnomAD 0.00064.
gnomAD v4.1: 186 of 1,614,024 alleles (0.012%); highest among the groups gnomAD compares: African/African-American, 0.23%; no homozygotes.

Submissions (2):

Blueprint Genetics
Classification: Likely benign. Last evaluated: 2024-06-05. Review status: criteria provided, single submitter. Criteria: ACMG Guidelines, 2015. Collection method: clinical testing. Allele origin: germline.

PreventionGenetics, part of Exact Sciences
Classification: Likely benign for NCF2-related condition. Last evaluated: 2019-12-11. Review status: no assertion criteria provided. Collection method: clinical testing. Allele origin: germline. Not counted in ClinVar's aggregate classification.
Comment: This variant is classified as likely benign based on ACMG/AMP sequence variant interpretation guidelines (Richards et al. 2015 PMID: 25741868, with internal and published modifications).